The following is an entry in ClinVar:

NM_000321.3(RB1):c.1400dup (p.Leu468fs)

Gene: RB1 (RB transcriptional corepressor 1; plus strand). Cytogenetic location: 13q14.2.
Variant type: Duplication.
Coding change: c.1400dup on transcript NM_000321.3 (MANE Select); coding-DNA position 1400, one base duplicated (G; older notation c.1400dupG).
Protein change: p.Leu468fs; shifts the reading frame from leucine 468.
Molecular consequence: frameshift variant.
Genome position (GRCh38, 1-based): chr13:48,380,063, G duplicated. VCF-style (leftmost placement, unchanged base first): chr13-48380062-C-CG. GRCh37 (hg19) VCF-style: chr13-48954198-C-CG.
Other names: c.1400dup, p.Leu468fs (NM_001407165.1, NM_001407166.1); short protein forms L468fs.
Identifiers: ClinVar variation 3236982 (VCV003236982.2), dbSNP rs2542204134.

ClinVar aggregate classification (germline): Pathogenic/Likely pathogenic. Review status: criteria provided, multiple submitters, no conflicts (2 of 4 stars). 2 submissions from 2 submitters: Pathogenic (1); Likely pathogenic (1). Last evaluated 2026-05-29.

Conditions:
Retinoblastoma (RB1). Also called: RETINOBLASTOMA, SOMATIC. Identifiers: Orphanet 790, MedGen C0035335, MeSH D012175, MONDO:0008380, OMIM 180200, HP:0009919. Disease mechanism: loss of function. Inheritance: Both sporadic and heritable forms are tested..

Submissions (2):

Diller/Parad Lab, Dana-Farber/Harvard Cancer Center
Classification: Likely pathogenic for Retinoblastoma. Last evaluated: 2026-05-29. Review status: criteria provided, single submitter. Criteria: ACMG Guidelines, 2015. Collection method: research. Allele origin: germline. Affected: yes.
Comment: It has been classified as Likely Pathogenic using Richards et al (PMID:25741868) based on the following evidence codes: PM2, PVS1.

Genetic Diagnostic Laboratory, University of Pennsylvania School of Medicine
Classification: Pathogenic for Retinoblastoma. Last evaluated: 2024-05-20. Review status: criteria provided, single submitter. Criteria: ACMG Guidelines, 2015. Collection method: clinical testing. Allele origin: germline. Affected: yes. Observed: 1 variant allele.
Comment: Case and Pedigree Information: BILATERAL CASES:1, UNILATERAL CASES:0, TOTAL CASES:1, PEDIGREES:1. ACMG Codes Applied:PVS1, PM2